The following is an entry in ClinVar:

ClinVar aggregate classification (germline): Benign. Review status: criteria provided, multiple submitters, no conflicts (2 of 4 stars). 3 submissions from 3 submitters: Benign (2). 1 of the submissions does not count toward it. Last evaluated 2019-12-31.

Conditions:
NLGN1-related disorder. Also called: NLGN1-related condition.

Allele frequency attached by ClinVar (database versions not stated): gnomAD exomes 0.00042 and 0.00144; ExAC 0.00156; 1000 Genomes Project 0.00419; gnomAD 0.00425 and 0.00464; ESP Exome Variant Server 0.00454; 1000 Genomes Project 30x 0.00468; TOPMed 0.00499.
gnomAD v4.1: 1,248 of 1,537,492 alleles (0.081%); highest among the groups gnomAD compares: African/African-American, 1.5%; 14 homozygotes.

Submissions (3):

Labcorp Genetics (formerly Invitae), Labcorp
Classification: Benign. Last evaluated: 2019-12-31. Review status: criteria provided, single submitter. Criteria: Invitae Variant Classification Sherloc (09022015). Collection method: clinical testing. Allele origin: germline.

Breakthrough Genomics
Classification: Benign. Review status: criteria provided, single submitter. Criteria: ACMG Guidelines, 2015. Collection method: not provided. Allele origin: germline. Inheritance: Autosomal dominant inheritance. Affected: yes.

PreventionGenetics, part of Exact Sciences
Classification: Benign for NLGN1-related condition. Last evaluated: 2019-02-18. Review status: no assertion criteria provided. Collection method: clinical testing. Allele origin: germline. Not counted in ClinVar's aggregate classification.
Comment: This variant is classified as benign based on ACMG/AMP sequence variant interpretation guidelines (Richards et al. 2015 PMID: 25741868, with internal and published modifications).

NM_001365925.2(NLGN1):c.1002A>G (p.Arg334=)

Gene: NLGN1 (neuroligin 1; plus strand). Cytogenetic location: 3q26.31.
Variant type: single nucleotide variant.
Coding change: c.1002A>G on transcript NM_001365925.2 (MANE Select); coding-DNA position 1002, A replaced by G.
Protein change: p.Arg334=; no amino-acid change (arginine 334 retained).
Molecular consequence: synonymous variant.
Genome position (GRCh38, 1-based): chr3:174,278,943, A>G. VCF-style: chr3-174278943-A-G. GRCh37 (hg19) VCF-style: chr3-173996733-A-G.
Other names: c.1002A>G, p.Arg334= (NM_001365923.2, NM_001365924.2, NM_001365926.2 and 2 more transcripts); c.942A>G, p.Arg314= (NM_001365929.2, NM_001365930.2, NM_001365931.2 and 3 more transcripts); c.915A>G, p.Arg305= (NM_001365934.2, NM_001365935.2, NM_001365936.2).
Identifiers: ClinVar variation 716767 (VCV000716767.7), dbSNP rs115286304, ClinGen allele CA2708683.